The following is an entry in ClinVar:

ClinVar aggregate classification (germline): Uncertain significance (1 of 4 stars; one submission).

Conditions:
Charcot-Marie-Tooth disease axonal type 2C (HMSN2C). Also called: Charcot-Marie-Tooth Disease Type 2, TRPV4-Related (CMT2C); CHARCOT-MARIE-TOOTH DISEASE, AXONAL, AUTOSOMAL DOMINANT, TYPE 2C; Charcot-Marie-Tooth Neuropathy Type 2C. Identifiers: Orphanet 99937, MedGen C1853710, MONDO:0011633, OMIM 606071.

Allele frequency attached by ClinVar (database versions not stated): ESP Exome Variant Server 0.00015; ExAC 0.00003; gnomAD 0.00003; gnomAD exomes 0.00004; TOPMed 0.00005.

Submission:

Labcorp Genetics (formerly Invitae), Labcorp
Classification: Uncertain significance for Charcot-Marie-Tooth disease axonal type 2C. Last evaluated: 2022-11-03. Review status: criteria provided, single submitter. Criteria: Invitae Variant Classification Sherloc (09022015). Collection method: clinical testing. Allele origin: germline.
Comment: In summary, the available evidence is currently insufficient to determine the role of this variant in disease. Therefore, it has been classified as a Variant of Uncertain Significance. Advanced modeling of protein sequence and biophysical properties (such as structural, functional, and spatial information, amino acid conservation, physicochemical variation, residue mobility, and thermodynamic stability) has been performed at Invitae for this missense variant, however the output from this modeling did not meet the statistical confidence thresholds required to predict the impact of this variant on TRPV4 protein function. ClinVar contains an entry for this variant (Variation ID: 1020907). This variant has not been reported in the literature in individuals affected with TRPV4-related conditions. This variant is present in population databases (rs149267166, gnomAD 0.01%). This sequence change replaces arginine, which is basic and polar, with cysteine, which is neutral and slightly polar, at codon 862 of the TRPV4 protein (p.Arg862Cys).

NM_021625.5(TRPV4):c.2584C>T (p.Arg862Cys)

Gene: TRPV4 (transient receptor potential cation channel subfamily V member 4; minus strand). Cytogenetic location: 12q24.11.
Variant type: single nucleotide variant.
Coding change: c.2584C>T on transcript NM_021625.5 (MANE Select); coding-DNA position 2584, C replaced by T.
Protein change: p.Arg862Cys; replaces arginine 862 with cysteine.
Molecular consequence: missense variant.
Genome position (GRCh38, 1-based): chr12:109,783,653, G>A on the plus strand (C>T on the coding strand, the complement: TRPV4 is on the minus strand). VCF-style: chr12-109783653-G-A. GRCh37 (hg19) VCF-style: chr12-110221458-G-A.
Other names: c.2443C>T, p.Arg815Cys (NM_001177428.2); c.2482C>T, p.Arg828Cys (NM_001177431.2); c.2263C>T, p.Arg755Cys (NM_001177433.2); c.2404C>T, p.Arg802Cys (NM_147204.3); short protein forms R755C, R802C, R815C, R828C, R862C.
Identifiers: ClinVar variation 1020907 (VCV001020907.8), dbSNP rs149267166, ClinGen allele CA6779851.